The following is an entry in ClinVar:

NM_000426.4(LAMA2):c.6135C>G (p.Asn2045Lys)

Genes: LAMA2 (laminin subunit alpha 2; plus strand), LOC123864065 (Sharpr-MPRA regulatory region 661; plus strand). Cytogenetic location: 6q22.33.
Variant type: single nucleotide variant.
Coding change: c.6135C>G on transcript NM_000426.4 (MANE Select); coding-DNA position 6135, C replaced by G.
Protein change: p.Asn2045Lys; replaces asparagine 2045 with lysine.
Molecular consequence: missense variant.
Genome position (GRCh38, 1-based): chr6:129,440,865, C>G. VCF-style: chr6-129440865-C-G. GRCh37 (hg19) VCF-style: chr6-129762010-C-G.
Other names: c.6135C>G (NM_000426.3); c.6135C>G, p.Asn2045Lys (NM_001079823.2); short protein forms N2045K.
Identifiers: ClinVar variation 1437142 (VCV001437142.7), dbSNP rs756599307, ClinGen allele CA3994118.
Genomic context (GRCh38, chr6:129,440,865, plus strand): 5'-TCTGCTGACAGATACAGCTGCTAAACTGCAAGCTGTTAAGGACAAAGCCAGACAAGCCAA[C>G]GACACAGCTAAAGATGTACTGGCACAGATTACAGAGCTCCACCAGAACCTCGATGGCCTG-3'
Protein context (NP_000417.3, residues 2035-2055): QAVKDKARQA[Asn2045Lys]DTAKDVLAQI

ClinVar aggregate classification (germline): Uncertain significance. Review status: criteria provided, multiple submitters, no conflicts (2 of 4 stars). 2 submissions from 2 submitters: Uncertain significance (2). Last evaluated 2021-09-30.

Conditions:
LAMA2-related muscular dystrophy (LAMA2-RD). Also called: Laminin alpha 2-related dystrophy. Identifiers: MedGen C5679788, MONDO:0100228.

gnomAD v4.1: 8 of 1,613,802 alleles (0.0005%); highest among the groups gnomAD compares: Non-Finnish European, 0.00068%; no homozygotes.

Submissions (2):

Labcorp Genetics (formerly Invitae), Labcorp
Classification: Uncertain significance for LAMA2-related muscular dystrophy. Last evaluated: 2021-09-30. Review status: criteria provided, single submitter. Criteria: Invitae Variant Classification Sherloc (09022015). Collection method: clinical testing. Allele origin: germline.
Comment: This sequence change replaces asparagine with lysine at codon 2045 of the LAMA2 protein (p.Asn2045Lys). The asparagine residue is moderately conserved and there is a moderate physicochemical difference between asparagine and lysine. This variant is present in population databases (rs756599307, ExAC 0.002%). This variant has not been reported in the literature in individuals with LAMA2-related conditions. Advanced modeling of protein sequence and biophysical properties (such as structural, functional, and spatial information, amino acid conservation, physicochemical variation, residue mobility, and thermodynamic stability) performed at Invitae indicates that this missense variant is not expected to disrupt LAMA2 protein function. In summary, the available evidence is currently insufficient to determine the role of this variant in disease. Therefore, it has been classified as a Variant of Uncertain Significance.

Revvity Omics, Revvity
Classification: Uncertain significance. Last evaluated: 2020-02-26. Review status: criteria provided, single submitter. Criteria: ACMG Guidelines, 2015. Collection method: clinical testing. Allele origin: germline.